The following is an entry in ClinVar:

NM_001242896.3(DEPDC5):c.625-7T>G

Gene: DEPDC5 (DEP domain containing 5, GATOR1 subcomplex subunit; plus strand). Cytogenetic location: 22q12.2.
Variant type: single nucleotide variant.
Coding change: c.625-7T>G on transcript NM_001242896.3 (MANE Select); 7 bases into the intron before coding-DNA position 625, T replaced by G.
Molecular consequence: intron variant.
Genome position (GRCh38, 1-based): chr22:31,792,026, T>G. VCF-style: chr22-31792026-T-G. GRCh37 (hg19) VCF-style: chr22-32188012-T-G.
Other names: c.625-7T>G (NM_001364318.2, NM_001136029.4, NM_014662.6 and 7 more transcripts); c.541-7T>G (NM_001369902.1, NM_001369901.1).
Identifiers: ClinVar variation 1483928 (VCV001483928.7), dbSNP rs1276867202, ClinGen allele CA2573158145.

ClinVar aggregate classification (germline): Uncertain significance. Review status: criteria provided, multiple submitters, no conflicts (2 of 4 stars). 2 submissions from 2 submitters: Uncertain significance (2). Last evaluated 2026-03-17.

Conditions:
Familial focal epilepsy with variable foci (FPEVF). Identifiers: Orphanet 98820, MedGen C1858477, MONDO:0020310.

Submissions (2):

GeneDx
Classification: Uncertain significance. Last evaluated: 2026-03-17. Review status: criteria provided, single submitter. Criteria: GeneDx Variant Classification Process June 2021. Collection method: clinical testing. Allele origin: germline.
Comment: Not observed at significant frequency in large population cohorts (gnomAD); In silico analysis supports a deleterious effect on splicing; Has not been previously published as pathogenic or benign to our knowledge

Labcorp Genetics (formerly Invitae), Labcorp
Classification: Uncertain significance for Familial focal epilepsy with variable foci. Last evaluated: 2023-06-27. Review status: criteria provided, single submitter. Criteria: Invitae Variant Classification Sherloc (09022015). Collection method: clinical testing. Allele origin: germline.
Comment: In summary, the available evidence is currently insufficient to determine the role of this variant in disease. Therefore, it has been classified as a Variant of Uncertain Significance. Algorithms developed to predict the effect of sequence changes on RNA splicing suggest that this variant may disrupt the consensus splice site. ClinVar contains an entry for this variant (Variation ID: 1483928). This variant has not been reported in the literature in individuals affected with DEPDC5-related conditions. This variant is not present in population databases (gnomAD no frequency). This sequence change falls in intron 10 of the DEPDC5 gene. It does not directly change the encoded amino acid sequence of the DEPDC5 protein.